The following is an entry in ClinVar:

NM_001377540.1(SLMAP):c.*61G>T

Gene: SLMAP (sarcolemma associated protein; plus strand). Cytogenetic location: 3p14.3.
Variant type: single nucleotide variant.
Coding change: c.*61G>T on transcript NM_001377540.1 (MANE Select); 61 bases downstream of the stop codon, G replaced by T.
Molecular consequence: 3 prime UTR variant. On other transcripts: missense variant (10), non-coding transcript variant (1).
Genome position (GRCh38, 1-based): chr3:57,927,350, G>T. VCF-style: chr3-57927350-G-T. GRCh37 (hg19) VCF-style: chr3-57913077-G-T.
Other names: c.2449G>T, p.Val817Leu (NM_001304420.3); c.2335G>T, p.Val779Leu (NM_001304421.2, NM_001377557.1); c.1051G>T, p.Val351Leu (NM_001304422.3); c.853G>T, p.Val285Leu (NM_001304423.3); c.*61G>T (NM_001311178.2, NM_001377541.1, NM_001377542.1 and 12 more transcripts); c.2521G>T, p.Val841Leu (NM_001377538.1); c.2500G>T, p.Val834Leu (NM_001377539.1); c.2386G>T, p.Val796Leu (NM_001377551.1); and 2 more; short protein forms V779L, V796L, V817L, V285L, V310L, V800L, V841L, V351L.
Identifiers: ClinVar variation 4731865 (VCV004731865.1).

ClinVar aggregate classification (germline): Uncertain significance (1 of 4 stars; one submission).

Conditions:
Brugada syndrome. Also called: Sudden Unexplained Death Syndrome; Sudden Unexplained Nocturnal Death Syndrome (SUNDS); Sudden unexpected nocturnal death syndrome; Sudden unexplained nocturnal death syndrome. Identifiers: Orphanet 130, MedGen C1142166, MONDO:0015263.

Submission:

Labcorp Genetics (formerly Invitae), Labcorp
Classification: Uncertain significance for Brugada syndrome. Last evaluated: 2025-11-24. Review status: criteria provided, single submitter. Criteria: Invitae Variant Classification Sherloc (09022015). Collection method: clinical testing. Allele origin: germline.
Comment: This sequence change replaces valine, which is neutral and non-polar, with leucine, which is neutral and non-polar, at codon 800 of the SLMAP protein (p.Val800Leu). This variant is not present in population databases (gnomAD no frequency). This variant has not been reported in the literature in individuals affected with SLMAP-related conditions. An algorithm developed to predict the effect of missense changes on protein structure and function (PolyPhen-2) suggests that this variant is likely to be tolerated. In summary, the available evidence is currently insufficient to determine the role of this variant in disease. Therefore, it has been classified as a Variant of Uncertain Significance.